The following is an entry in ClinVar:

NM_004646.4(NPHS1):c.2172_2173del (p.Glu725fs)

Gene: NPHS1 (NPHS1 adhesion molecule, nephrin; minus strand). Cytogenetic location: 19q13.12.
Variant type: Deletion.
Coding change: c.2172_2173del on transcript NM_004646.4 (MANE Select); coding-DNA positions 2172 to 2173, 2 bases deleted (TG; older notation c.2172_2173delTG).
Protein change: p.Glu725fs; shifts the reading frame from glutamic acid 725.
Molecular consequence: frameshift variant.
Genome position (GRCh38, 1-based): chr19:35,844,142-35,844,143, CA deleted on the plus strand (TG on the coding strand, the reverse complement: NPHS1 is on the minus strand). VCF-style (leftmost placement, unchanged base first): chr19-35844141-TCA-T. GRCh37 (hg19) VCF-style: chr19-36335043-TCA-T.
Other names: c.2172_2173delTG (NM_004646.3); short protein forms E725fs.
Identifiers: ClinVar variation 56466 (VCV000056466.9), dbSNP rs386833906, ClinGen allele CA250173.
Genomic context (GRCh38, chr19:35,844,141, plus strand): 5'-TTCCATGGTGGGCGGGGCTCACAGTGCACGTCCAGCCGCAGCCGCGCTTCCGCGGTGCCC[TCA>T]GAGTTCTGGCAGTGCAGCTGATAGAGGCCGTCGTCCGCGCGGGTCACATTCCACAGATGC-3'

ClinVar aggregate classification (germline): Pathogenic. Review status: criteria provided, multiple submitters, no conflicts (2 of 4 stars). 4 submissions from 4 submitters: Pathogenic (2). 2 of the submissions do not count toward it. Last evaluated 2022-11-08.

Conditions:
Finnish congenital nephrotic syndrome (NPHS1). Also called: NEPHROTIC SYNDROME, TYPE 1. Identifiers: Orphanet 839, MedGen C0403399, MONDO:0009732, OMIM 256300.

Allele frequency attached by ClinVar (database versions not stated): gnomAD exomes below 0.00001; TOPMed below 0.00001.

Submissions (4):

Baylor Genetics
Classification: Pathogenic for Finnish congenital nephrotic syndrome. Last evaluated: 2022-11-08. Review status: criteria provided, single submitter. Criteria: ACMG Guidelines, 2015. Collection method: clinical testing. Allele origin: unknown.

Labcorp Genetics (formerly Invitae), Labcorp
Classification: Pathogenic. Last evaluated: 2021-02-25. Review status: criteria provided, single submitter. Criteria: Invitae Variant Classification Sherloc (09022015). Collection method: clinical testing. Allele origin: germline.
Comment: This sequence change creates a premature translational stop signal (p.Glu725Glyfs*25) in the NPHS1 gene. It is expected to result in an absent or disrupted protein product. Loss-of-function variants in NPHS1 are known to be pathogenic (PMID: 11317351, 11854170, 12039988). This variant is not present in population databases (ExAC no frequency). This variant has been observed in individual(s) with nephrotic syndrome (PMID: 16703378). ClinVar contains an entry for this variant (Variation ID: 56466). For these reasons, this variant has been classified as Pathogenic.

Department of Traditional Chinese Medicine, Fujian Provincial Hospital
Classification: Pathogenic for Finnish congenital nephrotic syndrome. Review status: no assertion criteria provided. Collection method: research. Allele origin: de novo. Inheritance: Autosomal recessive inheritance. Affected: no. Not counted in ClinVar's aggregate classification.

Juha Muilu Group; Institute for Molecular Medicine Finland (FIMM)
Classification: Likely pathogenic for Finnish congenital nephrotic syndrome. Review status: no assertion criteria provided. Collection method: not provided. Allele origin: unknown. Not counted in ClinVar's aggregate classification.
Comment: FinDis database variant: This variant was not found or characterized by our laboratory, data were collected from public sources: see reference
ClinVar note: Converted during submission from probable-pathogenic to Likely pathogenic.

Literature cited by the submitters: PubMed 11317351 (cited by Labcorp Genetics (formerly Invitae), Labcorp); PubMed 11854170 (cited by Labcorp Genetics (formerly Invitae), Labcorp); PubMed 12039988 (cited by Labcorp Genetics (formerly Invitae), Labcorp); PubMed 16703378 (cited by Labcorp Genetics (formerly Invitae), Labcorp and Department of Traditional Chinese Medicine, Fujian Provincial Hospital).